The following is an entry in ClinVar:

NM_014476.6(PDLIM3):c.10A>C (p.Thr4Pro)

Gene: PDLIM3 (PDZ and LIM domain 3; minus strand). Cytogenetic location: 4q35.1.
Variant type: single nucleotide variant.
Coding change: c.10A>C on transcript NM_014476.6 (MANE Select); coding-DNA position 10, A replaced by C.
Protein change: p.Thr4Pro; replaces threonine 4 with proline.
Molecular consequence: missense variant. On other transcripts: non-coding transcript variant (1).
Genome position (GRCh38, 1-based): chr4:185,535,425, T>G on the plus strand (A>C on the coding strand, the complement: PDLIM3 is on the minus strand). VCF-style: chr4-185535425-T-G. GRCh37 (hg19) VCF-style: chr4-186456579-T-G.
Other names: c.10A>C, p.Thr4Pro (NM_001114107.5, NM_001257962.2, NM_001257963.2); short protein forms T4P.
Identifiers: ClinVar variation 2926688 (VCV002926688.3), dbSNP rs1000933182, ClinGen allele CA358932882.

ClinVar aggregate classification (germline): Uncertain significance (1 of 4 stars; one submission).

Conditions:
Primary dilated cardiomyopathy (DCM). Also called: Dilated Cardiomyopathy. Identifiers: Orphanet 217604, MedGen C0007193, MeSH D002311, MONDO:0005021, HP:0001644. Inheritance: Various modes of inheritance.
Hypertrophic cardiomyopathy. Also called: HYPERTROPHIC MYOCARDIOPATHY. Identifiers: Orphanet 217569, MedGen C0007194, MeSH D002312, MONDO:0005045, HP:0001639.

Submission:

Labcorp Genetics (formerly Invitae), Labcorp
Classification: Uncertain significance for Hypertrophic cardiomyopathy; Primary dilated cardiomyopathy. Last evaluated: 2023-09-29. Review status: criteria provided, single submitter. Criteria: Invitae Variant Classification Sherloc (09022015). Collection method: clinical testing. Allele origin: germline.
Comment: In summary, the available evidence is currently insufficient to determine the role of this variant in disease. Therefore, it has been classified as a Variant of Uncertain Significance. An algorithm developed to predict the effect of missense changes on protein structure and function (PolyPhen-2) suggests that this variant is likely to be disruptive. This variant has not been reported in the literature in individuals affected with PDLIM3-related conditions. This variant is not present in population databases (gnomAD no frequency). This sequence change replaces threonine, which is neutral and polar, with proline, which is neutral and non-polar, at codon 4 of the PDLIM3 protein (p.Thr4Pro).